The following is an entry in ClinVar:

NM_014339.7(IL17RA):c.1472A>G (p.Lys491Arg)

Gene: IL17RA (interleukin 17 receptor A; plus strand). Cytogenetic location: 22q11.1.
Variant type: single nucleotide variant.
Coding change: c.1472A>G on transcript NM_014339.7 (MANE Select); coding-DNA position 1472, A replaced by G.
Protein change: p.Lys491Arg; replaces lysine 491 with arginine.
Molecular consequence: missense variant.
Genome position (GRCh38, 1-based): chr22:17,108,691, A>G. VCF-style: chr22-17108691-A-G. GRCh37 (hg19) VCF-style: chr22-17589581-A-G.
Other names: c.1370A>G, p.Lys457Arg (NM_001289905.2); short protein forms K457R, K491R.
Identifiers: ClinVar variation 1062977 (VCV001062977.6), dbSNP rs748447966, ClinGen allele CA10086763.

ClinVar aggregate classification (germline): Uncertain significance (1 of 4 stars; one submission).

Conditions:
Immunodeficiency 51 (IMD51). Also called: CANDIDIASIS, FAMILIAL, 5. Identifiers: Orphanet 1334, MedGen C4310803, MONDO:0013500, OMIM 613953.

Allele frequency attached by ClinVar (database versions not stated): ExAC 0.00001; gnomAD exomes 0.00001 and 0.00003; TOPMed 0.00001.
gnomAD v4.1: 6 of 1,609,456 alleles (0.00037%); highest among the groups gnomAD compares: Admixed American, 0.01%; no homozygotes.

Submission:

Labcorp Genetics (formerly Invitae), Labcorp
Classification: Uncertain significance for Immunodeficiency 51. Last evaluated: 2022-06-28. Review status: criteria provided, single submitter. Criteria: Invitae Variant Classification Sherloc (09022015). Collection method: clinical testing. Allele origin: germline.
Comment: This sequence change replaces lysine, which is basic and polar, with arginine, which is basic and polar, at codon 491 of the IL17RA protein (p.Lys491Arg). This variant is present in population databases (rs748447966, gnomAD 0.02%). This variant has not been reported in the literature in individuals affected with IL17RA-related conditions. ClinVar contains an entry for this variant (Variation ID: 1062977). Algorithms developed to predict the effect of missense changes on protein structure and function output the following: SIFT: "Tolerated"; PolyPhen-2: "Possibly Damaging"; Align-GVGD: "Class C0". The arginine amino acid residue is found in multiple mammalian species, which suggests that this missense change does not adversely affect protein function. Algorithms developed to predict the effect of sequence changes on RNA splicing suggest that this variant may create or strengthen a splice site. In summary, the available evidence is currently insufficient to determine the role of this variant in disease. Therefore, it has been classified as a Variant of Uncertain Significance.